The following is an entry in ClinVar:

ClinVar aggregate classification (germline): Uncertain significance (1 of 4 stars; one submission).

Conditions:
Rafiq syndrome (RAFQS). Identifiers: Orphanet 88616, MedGen C3280127, MONDO:0013624, OMIM 614202.

Allele frequency attached by ClinVar (database versions not stated): TOPMed below 0.00001; gnomAD 0.00001; gnomAD exomes 0.00001; ExAC 0.00002.
gnomAD v4.1: 4 of 1,613,900 alleles (0.00025%); highest among the groups gnomAD compares: African/African-American, 0.0027%; no homozygotes.

Submission:

Labcorp Genetics (formerly Invitae), Labcorp
Classification: Uncertain significance for Rafiq syndrome. Last evaluated: 2024-11-11. Review status: criteria provided, single submitter. Criteria: Invitae Variant Classification Sherloc (09022015). Collection method: clinical testing. Allele origin: germline.
Comment: This sequence change replaces threonine, which is neutral and polar, with isoleucine, which is neutral and non-polar, at codon 144 of the MAN1B1 protein (p.Thr144Ile). This variant is present in population databases (rs763744643, gnomAD 0.0009%). This variant has not been reported in the literature in individuals affected with MAN1B1-related conditions. ClinVar contains an entry for this variant (Variation ID: 958223). An algorithm developed to predict the effect of missense changes on protein structure and function (PolyPhen-2) suggests that this variant is likely to be tolerated. In summary, the available evidence is currently insufficient to determine the role of this variant in disease. Therefore, it has been classified as a Variant of Uncertain Significance.

NM_016219.5(MAN1B1):c.431C>T (p.Thr144Ile)

Gene: MAN1B1 (mannosidase alpha class 1B member 1; plus strand). Cytogenetic location: 9q34.3.
Variant type: single nucleotide variant.
Coding change: c.431C>T on transcript NM_016219.5 (MANE Select); coding-DNA position 431, C replaced by T.
Protein change: p.Thr144Ile; replaces threonine 144 with isoleucine.
Molecular consequence: missense variant. On other transcripts: non-coding transcript variant (2).
Genome position (GRCh38, 1-based): chr9:137,088,971, C>T. VCF-style: chr9-137088971-C-T. GRCh37 (hg19) VCF-style: chr9-139983423-C-T.
Other names: short protein forms T144I.
Identifiers: ClinVar variation 958223 (VCV000958223.9), dbSNP rs763744643, ClinGen allele CA5358627.
Genomic context (GRCh38, chr9:137,088,971, plus strand): 5'-AAATTGCTGGGTTAAAACCAGCAAATCCACCCGTCTTACCAGCTCCTCAGAAGGCGGACA[C>T]CGACCCTGAGAACTTACCTGAGATTTCGTCACAGGTACTTTGAGCAAATGGTGTGGGGTT-3'
Protein context (NP_057303.2, residues 134-154): PVLPAPQKAD[Thr144Ile]DPENLPEISS